The following is an entry in ClinVar:

ClinVar aggregate classification (germline): Uncertain significance. Review status: criteria provided, multiple submitters, no conflicts (2 of 4 stars). 3 submissions from 3 submitters: Uncertain significance (2). 1 of the submissions does not count toward it. Last evaluated 2025-03-10.

Conditions:
Usher syndrome type 2A. Also called: USHER SYNDROME, TYPE IIA; RETINAL DISEASE IN USHER SYNDROME TYPE IIA, MODIFIER OF. Identifiers: Orphanet 231178, Orphanet 886, MedGen C1848634, MONDO:0010169, OMIM 276901.

Allele frequency attached by ClinVar (database versions not stated): gnomAD exomes below 0.00001.
gnomAD v4.1: 7 of 1,614,192 alleles (0.00043%); highest among the groups gnomAD compares: Non-Finnish European, 0.00042%; no homozygotes.

Submissions (3):

Labcorp Genetics (formerly Invitae), Labcorp
Classification: Uncertain significance. Last evaluated: 2025-03-10. Review status: criteria provided, single submitter. Criteria: Invitae Variant Classification Sherloc (09022015). Collection method: clinical testing. Allele origin: germline.
Comment: This sequence change replaces leucine, which is neutral and non-polar, with proline, which is neutral and non-polar, at codon 4767 of the USH2A protein (p.Leu4767Pro). This variant is not present in population databases (gnomAD no frequency). This missense change has been observed in individual(s) with clinical features of retinitis pigmentosa (internal data). In at least one individual the data is consistent with being in trans (on the opposite chromosome) from a pathogenic variant. ClinVar contains an entry for this variant (Variation ID: 1360813). Invitae Evidence Modeling of protein sequence and biophysical properties (such as structural, functional, and spatial information, amino acid conservation, physicochemical variation, residue mobility, and thermodynamic stability) has been performed for this missense variant. However, the output from this modeling did not meet the statistical confidence thresholds required to predict the impact of this variant on USH2A protein function. In summary, the available evidence is currently insufficient to determine the role of this variant in disease. Therefore, it has been classified as a Variant of Uncertain Significance.

Blueprint Genetics
Classification: Uncertain significance. Last evaluated: 2024-08-11. Review status: criteria provided, single submitter. Criteria: ACMG Guidelines, 2015. Collection method: clinical testing. Allele origin: germline.

Natera, Inc.
Classification: Uncertain significance for Usher syndrome type 2A. Last evaluated: 2025-02-20. Review status: no assertion criteria provided. Collection method: clinical testing. Allele origin: germline. Not counted in ClinVar's aggregate classification.

NM_206933.4(USH2A):c.14300T>C (p.Leu4767Pro)

Gene: USH2A (usherin; minus strand). Cytogenetic location: 1q41.
Variant type: single nucleotide variant.
Coding change: c.14300T>C on transcript NM_206933.4 (MANE Select); coding-DNA position 14300, T replaced by C.
Protein change: p.Leu4767Pro; replaces leucine 4767 with proline.
Molecular consequence: missense variant.
Genome position (GRCh38, 1-based): chr1:215,650,635, A>G on the plus strand (T>C on the coding strand, the complement: USH2A is on the minus strand). VCF-style: chr1-215650635-A-G. GRCh37 (hg19) VCF-style: chr1-215823977-A-G.
Other names: c.14300T>C (NM_206933.2); short protein forms L4767P.
Identifiers: ClinVar variation 1360813 (VCV001360813.8), dbSNP rs2102644814, ClinGen allele CA344835067.